The following is an entry in ClinVar:

ClinVar aggregate classification (germline): Likely pathogenic. Review status: criteria provided, multiple submitters, no conflicts (2 of 4 stars). 2 submissions from 2 submitters: Likely pathogenic (2). Last evaluated 2024-11-19.

Conditions:
Acromesomelic dysplasia 3 (AMD3). Also called: CHONDRODYSPLASIA, ACROMESOMELIC, WITH OR WITHOUT GENITAL ANOMALIES; Acromesomelic dysplasia, Demirhan type. Identifiers: MedGen C4225404, MONDO:0012274, OMIM 609441.
Type A2 brachydactyly (BDA2). Also called: Brachymesophalangy type 2; BRACHYMESOPHALANGY II; MOHR-WRIEDT TYPE BRACHYDACTYLY. Identifiers: Orphanet 93396, MedGen C1832702, MONDO:0007216, OMIM 112600, HP:0009372.

Submissions (2):

Victorian Clinical Genetics Services, Murdoch Childrens Research Institute
Classification: Likely pathogenic for Acromesomelic dysplasia 3. Last evaluated: 2024-11-19. Review status: criteria provided, single submitter. Criteria: ACMG Guidelines, 2015. Collection method: clinical testing. Allele origin: germline. Affected: yes.
Comment: This variant is classified as Likely pathogenic. Evidence in support of pathogenic classification: Canonical splice site variant without proven consequence on splicing (no functional evidence available); Variant is absent from gnomAD (v2, v3 and v4); Abnormal splicing is predicted by in silico tool and affected nucleotide is highly conserved. Additional information: This variant is heterozygous; This gene is associated with both recessive and dominant disease. Acromesomelic dysplasia 3 (MIM#609441) is associated with biallelic variants, while monoallelic variants are associated with brachydactyly, type A1, D (MIM#616849), brachydactyly, type A2 (MIM#112600) and coloboma (MONDO:0001476), BMPR1B-related; This variant has no previous evidence of pathogenicity; No published segregation evidence has been identified for this variant; No published functional evidence has been identified for this variant; No comparable splice site variants have previous evidence for pathogenicity; Loss of function is a known mechanism of disease in this gene and is associated with BMPR1B-related conditions.

Labcorp Genetics (formerly Invitae), Labcorp
Classification: Likely pathogenic for Type A2 brachydactyly; Acromesomelic dysplasia 3. Last evaluated: 2024-04-29. Review status: criteria provided, single submitter. Criteria: Invitae Variant Classification Sherloc (09022015). Collection method: clinical testing. Allele origin: germline.
Comment: This sequence change affects a donor splice site in intron 8 of the BMPR1B gene. It is expected to disrupt RNA splicing. Variants that disrupt the donor or acceptor splice site typically lead to a loss of protein function (PMID: 16199547), and loss-of-function variants in BMPR1B are known to be pathogenic (PMID: 15805157, 24129431). This variant is not present in population databases (gnomAD no frequency). This variant has not been reported in the literature in individuals affected with BMPR1B-related conditions. Algorithms developed to predict the effect of sequence changes on RNA splicing suggest that this variant may disrupt the consensus splice site. In summary, the currently available evidence indicates that the variant is pathogenic, but additional data are needed to prove that conclusively. Therefore, this variant has been classified as Likely Pathogenic.

Literature cited by the submitters: PubMed 16199547 (cited by Labcorp Genetics (formerly Invitae), Labcorp); PubMed 15805157 (cited by Labcorp Genetics (formerly Invitae), Labcorp); PubMed 24129431 (cited by Labcorp Genetics (formerly Invitae), Labcorp).

NM_001203.3(BMPR1B):c.585+1G>C

Gene: BMPR1B (bone morphogenetic protein receptor type 1B; plus strand). Cytogenetic location: 4q22.3.
Variant type: single nucleotide variant.
Coding change: c.585+1G>C on transcript NM_001203.3 (MANE Select); the canonical splice donor site of the intron after coding-DNA position 585, G replaced by C.
Molecular consequence: splice donor variant.
Genome position (GRCh38, 1-based): chr4:95,125,122, G>C. VCF-style: chr4-95125122-G-C. GRCh37 (hg19) VCF-style: chr4-96046273-G-C.
Other names: c.585+1G>C (NM_001256792.2, NM_001256794.1); c.675+1G>C (NM_001256793.2).
Identifiers: ClinVar variation 2921762 (VCV002921762.4), dbSNP rs2530214673, ClinGen allele CA357680382.
Genomic context (GRCh38, chr4:95,125,122, plus strand): 5'-CTGAGAGACTTAATTGAGCAGTCTCAGAGCTCAGGAAGTGGATCAGGCCTCCCTCTGCTG[G>C]TATGAGAAGAACACATCTTGAATTTAAAGGAAATGTTTTCTGAAAGAACTGTCAATGAAT-3'